The following is an entry in ClinVar:

NM_001080414.4(CCDC88C):c.3232del (p.Glu1078fs)

Gene: CCDC88C (coiled-coil and HOOK domain protein 88C; minus strand). Cytogenetic location: 14q32.11.
Variant type: Deletion.
Coding change: c.3232del on transcript NM_001080414.4 (MANE Select); coding-DNA position 3232, one base deleted (G; older notation c.3232delG).
Protein change: p.Glu1078fs; shifts the reading frame from glutamic acid 1078.
Molecular consequence: frameshift variant. On other transcripts: non-coding transcript variant (2).
Genome position (GRCh38, 1-based): chr14:91,305,890, C deleted on the plus strand (G on the coding strand, the reverse complement: CCDC88C is on the minus strand); the first of 2 consecutive C bases (chr14:91,305,890-91,305,891); deleting either gives the same sequence. VCF-style (leftmost placement, unchanged base first): chr14-91305889-TC-T. GRCh37 (hg19) VCF-style: chr14-91772233-TC-T.
Other names: short protein forms E1078fs.
Identifiers: ClinVar variation 5016281 (VCV005016281.1).
Genomic context (GRCh38, chr14:91,305,889, plus strand): 5'-TGCAGTGTCAAGATCTGGCTGCTGAAGGTCACGTTCTGGGTCTCCAGGTGCTGCAGCTGT[TC>T]CTTTAGCAGCTGCTTCTCAGCCTGCAGAGCTGCATTCTAGAAGATCGGGAGGCATGAGCG-3'

ClinVar aggregate classification (germline): Pathogenic (1 of 4 stars; one submission).

Conditions:
Hydrocephalus, nonsyndromic, autosomal recessive 1 (HYC1). Also called: Hydrocephalus, nonsyndromic, autosomal recessive; Congenital hydrocephalus 1. Identifiers: Orphanet 2185, MedGen C3887608, MONDO:0009360, OMIM 236600.

Submission:

Myriad Genetics, Inc.
Classification: Pathogenic for Hydrocephalus, nonsyndromic, autosomal recessive 1. Last evaluated: 2026-08-25. Review status: criteria provided, single submitter. Criteria: Myriad Autosomal Dominant, Autosomal Recessive and X-Linked Classification Criteria (2023). Collection method: clinical testing. Allele origin: unknown.
Comment: NM_001080414.3(CCDC88C):c.3232delG(E1078Nfs*11) is expected to be pathogenic in the context of congenital hydrocephalus, CCDC88C-related. This variant is predicted to lead to an abnormal or absent protein product due to the creation of a premature termination codon in CCDC88C, a gene where loss-of-function variants are known to be pathogenic. Please note: this variant was assessed in the context of healthy population screening.